The following is an entry in ClinVar:

NM_002968.3(SALL1):c.*920CTT[2]

Gene: SALL1 (spalt like transcription factor 1; minus strand). Cytogenetic location: 16q12.1.
Variant type: Microsatellite.
Coding change: c.*920CTT[2] on transcript NM_002968.3 (MANE Select); two copies in a row of the 3-base unit CTT starting at c.*920; the reference has three copies in a row; one copy, 3 bases deleted.
Molecular consequence: 3 prime UTR variant.
Genome position (GRCh38, 1-based): chr16:51,136,184-51,136,186, AAG deleted on the plus strand (CTT on the coding strand, the reverse complement: SALL1 is on the minus strand); deleting any 3 consecutive bases within chr16:51,136,184-51,136,192 gives the same sequence; the position shown is the placement nearest the transcript's 3' end. VCF-style (leftmost placement, unchanged base first): chr16-51136183-CAAG-C. GRCh37 (hg19) VCF-style: chr16-51170094-CAAG-C.
Other names: c.*920CTT[2] (NM_001127892.2).
Identifiers: ClinVar variation 319579 (VCV000319579.34), dbSNP rs527584319, ClinGen allele CA10647679.

ClinVar aggregate classification (germline): Likely benign (1 of 4 stars; one submission).

Submission:

CeGaT Center for Human Genetics Tuebingen
Classification: Likely benign. Last evaluated: 2023-04-01. Review status: criteria provided, single submitter. Criteria: CeGaT Center For Human Genetics Tuebingen Variant Classification Criteria Version 2. Collection method: clinical testing. Allele origin: germline. Affected: yes. Observed: 5 variant alleles.
Comment: SALL1: BS1